The following is an entry in ClinVar:

NM_003482.4(KMT2D):c.13733C>G (p.Pro4578Arg)

Gene: KMT2D (lysine methyltransferase 2D; minus strand). Cytogenetic location: 12q13.12.
Variant type: single nucleotide variant.
Coding change: c.13733C>G on transcript NM_003482.4 (MANE Select); coding-DNA position 13733, C replaced by G.
Protein change: p.Pro4578Arg; replaces proline 4578 with arginine.
Molecular consequence: missense variant.
Genome position (GRCh38, 1-based): chr12:49,030,707, G>C on the plus strand (C>G on the coding strand, the complement: KMT2D is on the minus strand). VCF-style: chr12-49030707-G-C. GRCh37 (hg19) VCF-style: chr12-49424490-G-C.
Other names: short protein forms P4578R.
Identifiers: ClinVar variation 3700734 (VCV003700734.2).

ClinVar aggregate classification (germline): Uncertain significance (1 of 4 stars; one submission).

Conditions:
Kabuki syndrome. Also called: NIIKAWA-KUROKI SYNDROME; Kabuki make-up syndrome. Identifiers: Orphanet 2322, MedGen C0796004, MONDO:0016512.

gnomAD v4.1: 3 of 1,613,690 alleles (0.00019%); highest among the groups gnomAD compares: Non-Finnish European, 0.00025%; no homozygotes.

Submission:

Labcorp Genetics (formerly Invitae), Labcorp
Classification: Uncertain significance for Kabuki syndrome. Last evaluated: 2025-02-10. Review status: criteria provided, single submitter. Criteria: Invitae Variant Classification Sherloc (09022015). Collection method: clinical testing. Allele origin: germline.
Comment: This sequence change replaces proline, which is neutral and non-polar, with arginine, which is basic and polar, at codon 4578 of the KMT2D protein (p.Pro4578Arg). This variant is not present in population databases (gnomAD no frequency). This variant has not been reported in the literature in individuals affected with KMT2D-related conditions. Invitae Evidence Modeling of protein sequence and biophysical properties (such as structural, functional, and spatial information, amino acid conservation, physicochemical variation, residue mobility, and thermodynamic stability) has been performed for this missense variant. However, the output from this modeling did not meet the statistical confidence thresholds required to predict the impact of this variant on KMT2D protein function. In summary, the available evidence is currently insufficient to determine the role of this variant in disease. Therefore, it has been classified as a Variant of Uncertain Significance.